The following is an entry in ClinVar:

NM_007294.4(BRCA1):c.158A>G (p.Asn53Ser)

Gene: BRCA1 (BRCA1 DNA repair associated; minus strand). Cytogenetic location: 17q21.31.
Variant type: single nucleotide variant.
Coding change: c.158A>G on transcript NM_007294.4 (MANE Select); coding-DNA position 158, A replaced by G.
Protein change: p.Asn53Ser; replaces asparagine 53 with serine.
Molecular consequence: missense variant. On other transcripts: non-coding transcript variant (1).
Genome position (GRCh38, 1-based): chr17:43,106,510, T>C on the plus strand (A>G on the coding strand, the complement: BRCA1 is on the minus strand). VCF-style: chr17-43106510-T-C. GRCh37 (hg19) VCF-style: chr17-41258527-T-C.
Other names: c.-31A>G (NM_001407571.1, NM_001408478.1, NM_001408479.1 and 58 more transcripts); c.158A>G, p.Asn53Ser (NM_001407581.1, NM_001407582.1, NM_001407583.1 and 168 more transcripts); c.17A>G, p.Asn6Ser (NM_001408453.1, NM_001408454.1, NM_001408455.1 and 99 more transcripts); short protein forms N53S, N6S.
Identifiers: ClinVar variation 867899 (VCV000867899.10), dbSNP rs1438140067, ClinGen allele CA10601840.

ClinVar aggregate classification (germline): Conflicting classifications of pathogenicity. Review status: criteria provided, conflicting classifications (1 of 4 stars). 4 submissions from 4 submitters: Uncertain significance (2); Likely benign (2). Last evaluated 2024-04-12.

Conditions:
Breast-ovarian cancer, familial, susceptibility to, 1 (BROVCA1). Also called: BRCA1 Hereditary Breast and Ovarian Cancer; OVARIAN CANCER, SUSCEPTIBILITY TO. Identifiers: Orphanet 145, MedGen C2676676, MONDO:0011450, OMIM 604370. Disease mechanism: loss of function.
Hereditary cancer-predisposing syndrome. Also called: Neoplastic Syndromes, Hereditary; Tumor predisposition; Hereditary Cancer Syndrome; Hereditary neoplastic syndrome. Identifiers: Orphanet 140162, MedGen C0027672, MeSH D009386, MONDO:0015356.

Allele frequency attached by ClinVar (database versions not stated): gnomAD exomes below 0.00001.
gnomAD v4.1: 4 of 1,602,062 alleles (0.00025%); highest among the groups gnomAD compares: South Asian, 0.0022%; no homozygotes.

Submissions (5):

Lupski Lab, Baylor-Hopkins CMG, Baylor College of Medicine
Classification: Likely benign for Breast-ovarian cancer, familial, susceptibility to, 1. Last evaluated: 2024-04-12. Review status: criteria provided, single submitter. Criteria: Dawood et al. (medRxiv. 2024). Collection method: curation. Allele origin: germline.
Comment: Each variant was annotated with functional scores from MAVE data which was translated into functional evidence codes. All other evidence codes and combining criteria were adhered to as closely as possible based on the ClinGen VCEP (Variant Curation Expert Panel) gene-specific recommendations. See Supplemental Figure 34 of final paper (Supp Fig. 28 in preprint: doi:10.1101/2024.04.11.24305690) for a table to see which lines of evidence we did not have data for. The ClinGen VCEPs are highly regarded as the gold-standard for gene-specific variant curation and are developed after extensive evaluation of the evidence by clinical and scientific experts for the particular gene to classify genomic variants on a spectrum from pathogenic to benign using the 2015 ACMG/AMP Variant Interpretation Guidelines as a backbone (PMID: 25741868). Reclassification of these VUS variants from gnomAD or All of Us focused only on variants originally prescribed as VUS in ClinVar. To ensure reproducibility, transparency, and increased throughput, all the procedures for annotating variants and assigning evidence codes were codified using Python. All code has been made freely available and is linked in the Code Availability section and all reclassified variants with evidence codes used can be found in Tables S18-19 (preprint: doi:10.1101/2024.04.11.24305690). For the MAVE data, the clinical curation and clinical strength assignment as per the ClinGen recommendations in Brnich et al. (2020) (PMID: 31892348) for or against pathogenicity or benignity of each of these MAVE datasets utilized in this study were previously published in Fayer et al. (2021) (PMID: 34793697).In brief, for BRCA1 variants, if a variant was categorized as FUNC (functional), it was assigned BS3 evidence and no PS3 evidence, whereas if it was categorized as LOF (loss of function), the variant was assigned PS3 evidence and no BS3 evidence. Variants categorized as INT (intermediate) were left unannotated. For the BRCA1 combining criteria, greater than or equal to 1 criteria of strong benign evidence was enough to reclassify the VUS as Likely Benign. This variant GRCh38:17:43106510:T>C was assigned evidence codes ['BS3', 'BP4'] and an overall classification of Likely benign

Ambry Genetics
Classification: Likely benign for Hereditary cancer-predisposing syndrome. Last evaluated: 2023-08-22. Review status: criteria provided, single submitter. Criteria: Ambry Variant Classification Scheme 2023. Collection method: clinical testing. Allele origin: germline.

GeneDx
Classification: Uncertain significance. Last evaluated: 2019-12-02. Review status: criteria provided, single submitter. Criteria: GeneDx Variant Classification Process June 2021. Collection method: clinical testing. Allele origin: germline. Affected: yes.
Comment: In silico analysis, which includes protein predictors and evolutionary conservation, supports that this variant does not alter protein structure/function; Published functional studies classified as functional based on a cell survival assay (Findlay 2018); This variant is associated with the following publications: (PMID: 30209399)

Color Diagnostics, LLC DBA Color Health
Classification: Uncertain significance for Hereditary cancer-predisposing syndrome. Last evaluated: 2019-06-16. Review status: criteria provided, single submitter. Criteria: ACMG Guidelines, 2015. Collection method: clinical testing. Allele origin: germline.

Brotman Baty Institute, University of Washington
No classification provided (evidence only). Condition: Breast-ovarian cancer, familial 1. Review status: no classification provided. Collection method: in vitro. Allele origin: not applicable. Functional consequence: functionally_normal. Not counted in ClinVar's aggregate classification.
ClinVar note: "not provided" was previously submitted as the classification for the variant. However, the classification appeared to be based only on an observation of functional data so it was converted to no classification on 2025-07-30.

Literature cited by the submitters: PubMed 39142283 (cited by Lupski Lab, Baylor-Hopkins CMG, Baylor College of Medicine); PubMed 34793697 (cited by Lupski Lab, Baylor-Hopkins CMG, Baylor College of Medicine); DOI 10.1101/2024.04.11.24305690 (cited by Lupski Lab, Baylor-Hopkins CMG, Baylor College of Medicine); PubMed 30209399 (cited by Ambry Genetics).